The following is an entry in ClinVar:

ClinVar aggregate classification (germline): Uncertain significance (1 of 4 stars; one submission).

Conditions:
Hereditary cancer-predisposing syndrome. Also called: Tumor predisposition; Hereditary Cancer Syndrome; Hereditary neoplastic syndrome; Neoplastic Syndromes, Hereditary. Identifiers: Orphanet 140162, MedGen C0027672, MeSH D009386, MONDO:0015356.

Submission:

Ambry Genetics
Classification: Uncertain significance for Hereditary cancer-predisposing syndrome. Last evaluated: 2023-08-24. Review status: criteria provided, single submitter. Criteria: Ambry Variant Classification Scheme 2023. Collection method: clinical testing. Allele origin: germline.
Comment: The p.I1134N variant (also known as c.3401T>A), located in coding exon 28 of the POLE gene, results from a T to A substitution at nucleotide position 3401. The isoleucine at codon 1134 is replaced by asparagine, an amino acid with dissimilar properties. This amino acid position is conserved. In addition, the in silico prediction for this alteration is inconclusive. Since supporting evidence is limited at this time, the clinical significance of this alteration remains unclear.

NM_006231.4(POLE):c.3401T>A (p.Ile1134Asn)

Gene: POLE (DNA polymerase epsilon, catalytic subunit; minus strand). Cytogenetic location: 12q24.33.
Variant type: single nucleotide variant.
Coding change: c.3401T>A on transcript NM_006231.4 (MANE Select); coding-DNA position 3401, T replaced by A.
Protein change: p.Ile1134Asn; replaces isoleucine 1134 with asparagine.
Molecular consequence: missense variant.
Genome position (GRCh38, 1-based): chr12:132,657,407, A>T on the plus strand (T>A on the coding strand, the complement: POLE is on the minus strand). VCF-style: chr12-132657407-A-T. GRCh37 (hg19) VCF-style: chr12-133233993-A-T.
Other names: short protein forms I1134N.
Identifiers: ClinVar variation 2625246 (VCV002625246.2), dbSNP rs1054915845, ClinGen allele CA387389507.